The following is an entry in ClinVar:

NM_006648.4(WNK2):c.2488C>A (p.Pro830Thr)

Gene: WNK2 (WNK lysine deficient protein kinase 2; plus strand). Cytogenetic location: 9q22.31.
Variant type: single nucleotide variant.
Coding change: c.2488C>A on transcript NM_006648.4 (MANE Select); coding-DNA position 2488, C replaced by A.
Protein change: p.Pro830Thr; replaces proline 830 with threonine.
Molecular consequence: missense variant.
Genome position (GRCh38, 1-based): chr9:93,259,036, C>A. VCF-style: chr9-93259036-C-A. GRCh37 (hg19) VCF-style: chr9-96021318-C-A.
Other names: c.2488C>A, p.Pro830Thr (NM_001282394.3); short protein forms P830T.
Identifiers: ClinVar variation 2390198 (VCV002390198.3), dbSNP rs758491161, ClinGen allele CA5129656.
Genomic context (GRCh38, chr9:93,259,036, plus strand): 5'-ATCGACGGCCTCCCTCCGGCCCTCCCAGACCTGCCGACCGCGACTGTGCCTCCCGTGCCA[C>A]CACCTCAGTATTTCTCTCCAGCCGTGATCTTGCCGAGCCTCGCTGCCCCACTCCCCCCTG-3'
Protein context (NP_006639.3, residues 820-840): LPTATVPPVP[Pro830Thr]PQYFSPAVIL

ClinVar aggregate classification (germline): Uncertain significance (1 of 4 stars; one submission).

Allele frequency attached by ClinVar (database versions not stated): gnomAD exomes 0.00001; ExAC 0.00003; TOPMed 0.00007.
gnomAD v4.1: 8 of 1,613,072 alleles (0.0005%); highest among the groups gnomAD compares: Admixed American, 0.013%; no homozygotes.

Submission:

Ambry Genetics
Classification: Uncertain significance. Last evaluated: 2024-12-15. Review status: criteria provided, single submitter. Criteria: Ambry Variant Classification Scheme 2023. Collection method: clinical testing. Allele origin: germline.
Comment: The p.P830T variant (also known as c.2488C>A), located in coding exon 11 of the WNK2 gene, results from a C to A substitution at nucleotide position 2488. The proline at codon 830 is replaced by threonine, an amino acid with highly similar properties. This amino acid position is conserved. In addition, this alteration is predicted to be tolerated by in silico analysis. Based on the available evidence, the clinical significance of this variant remains unclear.